The following is an entry in ClinVar:

ClinVar aggregate classification (germline): Uncertain significance (3 of 4 stars; one submission).

Conditions:
Monogenic diabetes. Identifiers: Orphanet 183625, MedGen C3888631, MONDO:0015967.

Submission:

ClinGen Monogenic Diabetes Variant Curation Expert Panel
Classification: Uncertain significance for Monogenic diabetes. Last evaluated: 2025-09-17. Review status: reviewed by expert panel. Criteria: ClinGen Diabetes ACMG Specifications HNF4A V3.0.0. Collection method: curation. Allele origin: germline. Inheritance: Autosomal dominant inheritance.
Comment: The c.146A>C variant in the hepatocyte nuclear factor 4-alpha gene, HNF4A, causes an amino acid change of histidine to proline at codon 49 (p.(His49Pro)) of NM_175914.5. This variant is absent from gnomAD v4.1.0 (PM2_Supporting). This variant is predicted to be deleterious by computational evidence, with a REVEL score of 0.988, which is greater than the MDEP VCEP threshold of 0.70 (PP3). This variant resides in an amino acid within the HNF4α DNA binding domain that directly binds DNA, which is defined as critical for the protein’s function by the ClinGen MDEP (PM1). This variant was identified in an individual with diabetes; however, the MODY probability is unable to be calculated due to lack of clinical information, therefore, PP4 cannot be applied (PMID: 29927023). Another missense variant at the same residue, c.145C>T (p.His49Tyr), has been classified as pathogenic by the ClinGen MDEP but has a greater Grantham distance than p.His49Pro (PM5_Supporting). In summary, c.146A>C meets the criteria to be classified as a variant of uncertain significance for monogenic diabetes. ACMG/AMP criteria applied, as specified by the ClinGen MDEP (specification version 3.0.0, approved 6/30/2025): PM1, PM2_Supporting, PM5_Supporting, PP3.

Literature cited by the submitters: PubMed 29927023.

NM_175914.5(HNF4A):c.146A>C (p.His49Pro)

Gene: HNF4A (hepatocyte nuclear factor 4 alpha; plus strand). Cytogenetic location: 20q13.12.
Variant type: single nucleotide variant.
Coding change: c.146A>C on transcript NM_175914.5 (MANE Select); coding-DNA position 146, A replaced by C.
Protein change: p.His49Pro; replaces histidine 49 with proline.
Molecular consequence: missense variant.
Genome position (GRCh38, 1-based): chr20:44,406,154, A>C. VCF-style: chr20-44406154-A-C. GRCh37 (hg19) VCF-style: chr20-43034794-A-C.
Other names: NM_175914.5:c.146A>C; c.212A>C, p.His71Pro (NM_000457.6, NM_178849.3, NM_178850.3); c.146A>C, p.His49Pro (NM_001030003.3, NM_001030004.3); c.191A>C, p.His64Pro (NM_001258355.2); c.137A>C, p.His46Pro (NM_001287182.2, NM_001287183.2, NM_001287184.2); short protein forms H46P, H49P, H64P, H71P.
Identifiers: ClinVar variation 4087744 (VCV004087744.1).
Genomic context (GRCh38, chr20:44,406,154, plus strand): 5'-CCAACAGCCTGGGTGTCAGCGCCCTGTGTGCCATCTGCGGGGACCGGGCCACGGGCAAAC[A>C]CTACGGTGCCTCGAGCTGTGACGGCTGCAAGGGCTTCTTCCGGAGGAGCGTGCGGAAGAA-3'
Protein context (NP_787110.2, residues 39-59): AICGDRATGK[His49Pro]YGASSCDGCK